The following is an entry in ClinVar:

ClinVar aggregate classification (germline): Uncertain significance. Review status: criteria provided, multiple submitters, no conflicts (2 of 4 stars). 2 submissions from 2 submitters: Uncertain significance (2). Last evaluated 2026-03-05.

Conditions:
Developmental and epileptic encephalopathy, 62. Also called: Early infantile epileptic encephalopathy 62. Identifiers: MedGen C4693699, MONDO:0033371, OMIM 617938.
Epilepsy, familial focal, with variable foci 4 (FFEVF4). Identifiers: MedGen C4693694, MONDO:0054776, OMIM 617935.

Allele frequency attached by ClinVar (database versions not stated): ExAC 0.00001; gnomAD 0.00001; gnomAD exomes 0.00002; TOPMed 0.00002.
gnomAD v4.1: 24 of 1,614,058 alleles (0.0015%); highest among the groups gnomAD compares: Admixed American, 0.0033%; no homozygotes.

Submissions (2):

Clinical Genomics Laboratory, Washington University in St. Louis
Classification: Uncertain significance for Developmental and epileptic encephalopathy, 62; Epilepsy, familial focal, with variable foci 4. Last evaluated: 2026-03-05. Review status: criteria provided, single submitter. Criteria: ACMG Guidelines, 2015. Collection method: clinical testing. Allele origin: germline.
Comment: The SCN3A c.3218G>C (p.Gly1073Ala) variant, to our knowledge, has not been reported in the medical literature but has been reported in the ClinVar database as a variant of unknown significance by one submitter. This variant is observed in 5/282,810 alleles in the general population (gnomAD v2.1.1). Computational predictors indicate that the variant is damaging, evidence that correlates with impact to SCN3A function. Due to limited information, and based on available information and the ClinGen Epilepsy Sodium Channel Expert Panel Specifications to the ACMG/AMP Variant Interpretation Guidelines for SCN3A Version 2.1.0, the clinical significance of this variant is uncertain at this time.

Labcorp Genetics (formerly Invitae), Labcorp
Classification: Uncertain significance. Last evaluated: 2025-06-09. Review status: criteria provided, single submitter. Criteria: Invitae Variant Classification Sherloc (09022015). Collection method: clinical testing. Allele origin: germline.
Comment: This sequence change replaces glycine, which is neutral and non-polar, with alanine, which is neutral and non-polar, at codon 1073 of the SCN3A protein (p.Gly1073Ala). This variant is present in population databases (rs751031460, gnomAD 0.003%). This variant has not been reported in the literature in individuals affected with SCN3A-related conditions. ClinVar contains an entry for this variant (Variation ID: 970399). Invitae Evidence Modeling of protein sequence and biophysical properties (such as structural, functional, and spatial information, amino acid conservation, physicochemical variation, residue mobility, and thermodynamic stability) indicates that this missense variant is not expected to disrupt SCN3A protein function with a negative predictive value of 95%. In summary, the available evidence is currently insufficient to determine the role of this variant in disease. Therefore, it has been classified as a Variant of Uncertain Significance.

NM_006922.4(SCN3A):c.3218G>C (p.Gly1073Ala)

Gene: SCN3A (sodium voltage-gated channel alpha subunit 3; minus strand). Cytogenetic location: 2q24.3.
Variant type: single nucleotide variant.
Coding change: c.3218G>C on transcript NM_006922.4 (MANE Select); coding-DNA position 3218, G replaced by C.
Protein change: p.Gly1073Ala; replaces glycine 1073 with alanine.
Molecular consequence: missense variant.
Genome position (GRCh38, 1-based): chr2:165,127,806, C>G on the plus strand (G>C on the coding strand, the complement: SCN3A is on the minus strand). VCF-style: chr2-165127806-C-G. GRCh37 (hg19) VCF-style: chr2-165984316-C-G.
Other names: c.3071G>C, p.Gly1024Ala (NM_001081676.2, NM_001081677.2); short protein forms G1073A, G1024A.
Identifiers: ClinVar variation 970399 (VCV000970399.11), dbSNP rs751031460, ClinGen allele CA1938839.